The following is an entry in ClinVar:

ClinVar aggregate classification (germline): Pathogenic (1 of 4 stars; one submission).

Conditions:
Catecholaminergic polymorphic ventricular tachycardia 1. Also called: RYR2-Related Catecholaminergic Polymorphic Ventricular Tachycardia; VENTRICULAR TACHYCARDIA, CATECHOLAMINERGIC POLYMORPHIC, 1, WITH OR WITHOUT ATRIAL DYSFUNCTION AND/OR DILATED CARDIOMYOPATHY; VENTRICULAR TACHYCARDIA, STRESS-INDUCED POLYMORPHIC 1. Identifiers: Orphanet 3286, MedGen C1631597, MONDO:0011484, OMIM 604772.

Submission:

Labcorp Genetics (formerly Invitae), Labcorp
Classification: Pathogenic for Catecholaminergic polymorphic ventricular tachycardia 1. Last evaluated: 2023-11-17. Review status: criteria provided, single submitter. Criteria: Invitae Variant Classification Sherloc (09022015). Collection method: clinical testing. Allele origin: unknown.
Comment: This variant is a gross deletion of the genomic region encompassing exon(s) 11 of the CASQ2 gene, which includes the termination codon. This deletion extends beyond the assayed region for this gene and therefore may encompass additional genes. While this deletion is not anticipated to lead to nonsense mediated decay, it is expected to alter mRNA translation or result in a truncated protein product. This variant has not been reported in the literature in individuals affected with CASQ2-related conditions. This variant disrupts a region of the CASQ2 protein in which other variant(s) (p.Leu366Pro) have been determined to be pathogenic (PMID: 32693635). This suggests that this is a clinically significant region of the protein, and that variants that disrupt it are likely to be disease-causing. For these reasons, this variant has been classified as Pathogenic.

Literature cited by the submitters: PubMed 32693635.

NC_000001.10:g.(?_116243862)_(116244067_?)del

Gene: CASQ2 (calsequestrin 2; minus strand). Cytogenetic location: 1p13.1.
Variant type: Deletion.
Identifiers: ClinVar variation 3247739 (VCV003247739.1).